The following is an entry in ClinVar:

NM_017612.5(ZCCHC8):c.482A>G (p.Asn161Ser)

Gene: ZCCHC8 (zinc finger CCHC-type containing 8; minus strand). Cytogenetic location: 12q24.31.
Variant type: single nucleotide variant.
Coding change: c.482A>G on transcript NM_017612.5 (MANE Select); coding-DNA position 482, A replaced by G.
Protein change: p.Asn161Ser; replaces asparagine 161 with serine.
Molecular consequence: missense variant. On other transcripts: 5 prime UTR variant (2).
Genome position (GRCh38, 1-based): chr12:122,489,405, T>C on the plus strand (A>G on the coding strand, the complement: ZCCHC8 is on the minus strand). VCF-style: chr12-122489405-T-C. GRCh37 (hg19) VCF-style: chr12-122973952-T-C.
Other names: c.482A>G, p.Asn161Ser (NM_001350935.2); c.185A>G, p.Asn62Ser (NM_001350936.2); c.-63A>G (NM_001350937.2, NM_001350938.2); short protein forms N161S, N62S.
Identifiers: ClinVar variation 2780341 (VCV002780341.3), dbSNP rs2547212422, ClinGen allele CA482208926.

ClinVar aggregate classification (germline): Uncertain significance (1 of 4 stars; one submission).

Allele frequency attached by ClinVar (database versions not stated): gnomAD exomes below 0.00001.

Submission:

Labcorp Genetics (formerly Invitae), Labcorp
Classification: Uncertain significance. Last evaluated: 2024-08-10. Review status: criteria provided, single submitter. Criteria: Invitae Variant Classification Sherloc (09022015). Collection method: clinical testing. Allele origin: germline.
Comment: This sequence change replaces asparagine, which is neutral and polar, with serine, which is neutral and polar, at codon 161 of the ZCCHC8 protein (p.Asn161Ser). This variant is not present in population databases (gnomAD no frequency). This variant has not been reported in the literature in individuals affected with ZCCHC8-related conditions. Advanced modeling of protein sequence and biophysical properties (such as structural, functional, and spatial information, amino acid conservation, physicochemical variation, residue mobility, and thermodynamic stability) performed at Invitae indicates that this missense variant is not expected to disrupt ZCCHC8 protein function with a negative predictive value of 80%. In summary, the available evidence is currently insufficient to determine the role of this variant in disease. Therefore, it has been classified as a Variant of Uncertain Significance.